The following is an entry in ClinVar:

NC_000002.11:g.(?_215593390)_(215634046_?)dup

Genes: BARD1 (BRCA1 associated RING domain 1; minus strand), LOC129935541 (ATAC-STARR-seq lymphoblastoid active region 17071; plus strand), LOC129935540 (ATAC-STARR-seq lymphoblastoid active region 17070; plus strand). Cytogenetic location: 2q35.
Variant type: Duplication.
Identifiers: ClinVar variation 649054 (VCV000649054.4).

ClinVar aggregate classification (germline): Uncertain significance (1 of 4 stars; one submission).

Conditions:
Familial cancer of breast. Also called: hereditary breast carcinoma; Hereditary breast cancer; BREAST CANCER, FAMILIAL. Identifiers: Orphanet 227535, MedGen C0346153, MONDO:0016419, OMIM 114480. Disease mechanism: loss of function.

Submission:

Labcorp Genetics (formerly Invitae), Labcorp
Classification: Uncertain significance for Familial cancer of breast. Last evaluated: 2015-05-27. Review status: criteria provided, single submitter. Criteria: Invitae Variant Classification Sherloc (09022015). Collection method: clinical testing. Allele origin: germline.
Comment: The exact position of the duplicated exons cannot be determined from this data, and the effect of this variant is unknown. Therefore, it has been classified as a Variant of Uncertain Significance. This variant has not been published in the literature and is not present in copy number variation databases. This sequence change is a gross duplication of the genomic region encompassing exons 5-11 of the BARD1 gene.¬†This duplication extends to the edge of the assayed region, and the 3' boundary of this event is not known.